The following is an entry in ClinVar:

ClinVar aggregate classification (germline): Uncertain significance (1 of 4 stars; one submission).

Conditions:
Epidermodysplasia verruciformis. Identifiers: Orphanet 302, MedGen C0014522, MONDO:0009176.

Submission:

Labcorp Genetics (formerly Invitae), Labcorp
Classification: Uncertain significance for Epidermodysplasia verruciformis. Last evaluated: 2025-12-10. Review status: criteria provided, single submitter. Criteria: Invitae Variant Classification Sherloc (09022015). Collection method: clinical testing. Allele origin: germline.
Comment: This sequence change replaces glycine, which is neutral and non-polar, with alanine, which is neutral and non-polar, at codon 235 of the TMC8 protein (p.Gly235Ala). This variant is not present in population databases (gnomAD no frequency). This variant has not been reported in the literature in individuals affected with TMC8-related conditions. ClinVar contains an entry for this variant (Variation ID: 2778465). Invitae Evidence Modeling of protein sequence and biophysical properties (such as structural, functional, and spatial information, amino acid conservation, physicochemical variation, residue mobility, and thermodynamic stability) indicates that this missense variant is not expected to disrupt TMC8 protein function with a negative predictive value of 80%. In summary, the available evidence is currently insufficient to determine the role of this variant in disease. Therefore, it has been classified as a Variant of Uncertain Significance.

NM_152468.5(TMC8):c.704G>C (p.Gly235Ala)

Gene: TMC8 (transmembrane channel like 8; plus strand). Cytogenetic location: 17q25.3.
Variant type: single nucleotide variant.
Coding change: c.704G>C on transcript NM_152468.5 (MANE Select); coding-DNA position 704, G replaced by C.
Protein change: p.Gly235Ala; replaces glycine 235 with alanine.
Molecular consequence: missense variant.
Genome position (GRCh38, 1-based): chr17:78,133,888, G>C. VCF-style: chr17-78133888-G-C. GRCh37 (hg19) VCF-style: chr17-76129969-G-C.
Other names: short protein forms G235A.
Identifiers: ClinVar variation 2778465 (VCV002778465.3), dbSNP rs2510780085, ClinGen allele CA401243988.